The following is an entry in ClinVar:

ClinVar aggregate classification (germline): Uncertain significance. Review status: criteria provided, multiple submitters, no conflicts (2 of 4 stars). 2 submissions from 2 submitters: Uncertain significance (2). Last evaluated 2025-08-01.

Conditions:
Inborn genetic diseases. Identifiers: MedGen C0950123, MeSH D030342.

Allele frequency attached by ClinVar (database versions not stated): TOPMed below 0.00001.

Submissions (2):

CeGaT Center for Human Genetics Tuebingen
Classification: Uncertain significance. Last evaluated: 2025-08-01. Review status: criteria provided, single submitter. Criteria: CeGaT Center For Human Genetics Tuebingen Variant Classification Criteria Version 2. Collection method: clinical testing. Allele origin: germline. Affected: yes. Observed: 1 variant allele.
Comment: CR2: PM2, BP4

Ambry Genetics
Classification: Uncertain significance for Inborn genetic diseases. Last evaluated: 2023-02-23. Review status: criteria provided, single submitter. Criteria: Ambry Variant Classification Scheme 2023. Collection method: clinical testing. Allele origin: germline.

NM_001006658.3(CR2):c.1381C>T (p.Pro461Ser)

Gene: CR2 (complement C3d receptor 2; plus strand). Cytogenetic location: 1q32.2.
Variant type: single nucleotide variant.
Coding change: c.1381C>T on transcript NM_001006658.3 (MANE Select); coding-DNA position 1381, C replaced by T.
Protein change: p.Pro461Ser; replaces proline 461 with serine.
Molecular consequence: missense variant.
Genome position (GRCh38, 1-based): chr1:207,470,895, C>T. VCF-style: chr1-207470895-C-T. GRCh37 (hg19) VCF-style: chr1-207644240-C-T.
Other names: c.1381C>T, p.Pro461Ser (NM_001877.5); short protein forms P461S.
Identifiers: ClinVar variation 2488147 (VCV002488147.10), dbSNP rs1463965529, ClinGen allele CA344530630.
Genomic context (GRCh38, chr1:207,470,895, plus strand): 5'-CCTGGCTATGTGCTGGTGGGAGAAGAATCCATACAGTGTACCTCTGAGGGGGTGTGGACA[C>T]CCCCTGTACCCCAATGCAAAGGTGCCAGGCCTCAAATGTAGACATTTTGTTAACTTTAAG-3'
Protein context (NP_001006659.1, residues 451-471): IQCTSEGVWT[Pro461Ser]PVPQCKVAAC